The following is an entry in ClinVar:

ClinVar aggregate classification (germline): Uncertain significance (1 of 4 stars; one submission).

Submission:

Labcorp Genetics (formerly Invitae), Labcorp
Classification: Uncertain significance. Last evaluated: 2022-01-06. Review status: criteria provided, single submitter. Criteria: Invitae Variant Classification Sherloc (09022015). Collection method: clinical testing. Allele origin: germline.
Comment: In summary, the available evidence is currently insufficient to determine the role of this variant in disease. Therefore, it has been classified as a Variant of Uncertain Significance. This variant has not been reported in the literature in individuals affected with SBF1-related conditions. This variant is not present in population databases (gnomAD no frequency). This variant, c.801_803dup, results in the insertion of 1 amino acid(s) of the SBF1 protein (p.Pro268dup), but otherwise preserves the integrity of the reading frame.

NM_002972.4(SBF1):c.801_803dup (p.Pro268_Ile269insPro)

Gene: SBF1 (SET binding factor 1; minus strand). Cytogenetic location: 22q13.33.
Variant type: Duplication.
Coding change: c.801_803dup on transcript NM_002972.4 (MANE Select); coding-DNA positions 801 to 803, 3 bases duplicated (GCC; older notation c.801_803dupGCC).
Protein change: p.Pro268_Ile269insPro.
Molecular consequence: inframe insertion. On other transcripts: inframe indel (3).
Genome position (GRCh38, 1-based): chr22:50,466,244-50,466,246, GGC duplicated on the plus strand (GCC on the coding strand, the reverse complement: SBF1 is on the minus strand). VCF-style (leftmost placement, unchanged base first): chr22-50466243-G-GGGC. GRCh37 (hg19) VCF-style: chr22-50904672-G-GGGC.
Other names: c.804_806dup, p.Pro269_Ile270insPro (NM_001365819.1, NM_001410794.1); c.801_803dup, p.Pro268_Ile269insPro (NM_001410795.1, NM_197971.1).
Identifiers: ClinVar variation 2076496 (VCV002076496.4), dbSNP rs2522014193, ClinGen allele CA2580099977.